The following is an entry in ClinVar:

NM_005560.6(LAMA5):c.7430C>T (p.Pro2477Leu)

Gene: LAMA5 (laminin subunit alpha 5; minus strand). Cytogenetic location: 20q13.33.
Variant type: single nucleotide variant.
Coding change: c.7430C>T on transcript NM_005560.6 (MANE Select); coding-DNA position 7430, C replaced by T.
Protein change: p.Pro2477Leu; replaces proline 2477 with leucine.
Molecular consequence: missense variant.
Genome position (GRCh38, 1-based): chr20:62,317,426, G>A on the plus strand (C>T on the coding strand, the complement: LAMA5 is on the minus strand). VCF-style: chr20-62317426-G-A. GRCh37 (hg19) VCF-style: chr20-60892482-G-A.
Other names: short protein forms P2477L.
Identifiers: ClinVar variation 2170138 (VCV002170138.1), dbSNP rs374446876, ClinGen allele CA9941238.
Genomic context (GRCh38, chr20:62,317,426, plus strand): 5'-TGGCCCAGCTGCTGTGCGTGGGCCTCGGCGGCCTCCACTAGACGCAGCTTGCTGCCCGCC[G>A]GGGAGAAGGTCTGCATCCTCTGCAGCAGTGGGGTCCGAGCCCCATCCAGGCTGGCGGCGA-3'
Protein context (NP_005551.3, residues 2467-2487): PLLQRMQTFS[Pro2477Leu]AGSKLRLVEA

ClinVar aggregate classification (germline): Uncertain significance (1 of 4 stars; one submission).

Allele frequency attached by ClinVar (database versions not stated): gnomAD exomes 0.00005; ExAC 0.00006; ESP Exome Variant Server 0.00015; TOPMed 0.00029; gnomAD 0.00032; 1000 Genomes Project 30x 0.00078; 1000 Genomes Project 0.00080.
gnomAD v4.1: 129 of 1,605,972 alleles (0.008%); highest among the groups gnomAD compares: African/African-American, 0.088%; no homozygotes.

Submission:

Labcorp Genetics (formerly Invitae), Labcorp
Classification: Uncertain significance. Last evaluated: 2022-04-14. Review status: criteria provided, single submitter. Criteria: Invitae Variant Classification Sherloc (09022015). Collection method: clinical testing. Allele origin: germline.
Comment: This sequence change replaces proline, which is neutral and non-polar, with leucine, which is neutral and non-polar, at codon 2477 of the LAMA5 protein (p.Pro2477Leu). This variant is present in population databases (rs374446876, gnomAD 0.09%). This variant has not been reported in the literature in individuals affected with LAMA5-related conditions. Algorithms developed to predict the effect of missense changes on protein structure and function are either unavailable or do not agree on the potential impact of this missense change (SIFT: "Tolerated"; PolyPhen-2: "Possibly Damaging"; Align-GVGD: "Class C0"). In summary, the available evidence is currently insufficient to determine the role of this variant in disease. Therefore, it has been classified as a Variant of Uncertain Significance.